The following is an entry in ClinVar:

NM_001278116.2(L1CAM):c.2201C>T (p.Thr734Met)

Gene: L1CAM (L1 cell adhesion molecule; minus strand). Cytogenetic location: Xq28.
Variant type: single nucleotide variant.
Coding change: c.2201C>T on transcript NM_001278116.2 (MANE Select); coding-DNA position 2201, C replaced by T.
Protein change: p.Thr734Met; replaces threonine 734 with methionine.
Molecular consequence: missense variant.
Genome position (GRCh38, 1-based): chrX:153,867,061, G>A on the plus strand (C>T on the coding strand, the complement: L1CAM is on the minus strand). VCF-style: chrX-153867061-G-A. GRCh37 (hg19) VCF-style: chrX-153132516-G-A.
Other names: c.2201C>T, p.Thr734Met (NM_000425.5, NM_024003.3); c.2186C>T, p.Thr729Met (NM_001143963.2); c.2201C>T (NM_000425.3); short protein forms T729M, T734M.
Identifiers: ClinVar variation 2909256 (VCV002909256.4), dbSNP rs202207834, ClinGen allele CA10554223.

ClinVar aggregate classification (germline): Conflicting classifications of pathogenicity. Review status: criteria provided, conflicting classifications (1 of 4 stars). 2 submissions from 2 submitters: Uncertain significance (1); Likely benign (1). Last evaluated 2023-12-12.

Conditions:
Spastic paraplegia. Identifiers: MedGen C0037772, HP:0001258.

Allele frequency attached by ClinVar (database versions not stated): ExAC 0.00001; gnomAD 0.00002; TOPMed 0.00002.

Submissions (2):

GeneDx
Classification: Uncertain significance. Last evaluated: 2023-12-12. Review status: criteria provided, single submitter. Criteria: GeneDx Variant Classification Process June 2021. Collection method: clinical testing. Allele origin: germline. Affected: yes.
Comment: In silico analysis supports that this missense variant has a deleterious effect on protein structure/function; Has not been previously published as pathogenic or benign to our knowledge; This variant is associated with the following publications: (PMID: 25641508)

Labcorp Genetics (formerly Invitae), Labcorp
Classification: Likely benign for Spastic paraplegia. Last evaluated: 2023-09-20. Review status: criteria provided, single submitter. Criteria: Invitae Variant Classification Sherloc (09022015). Collection method: clinical testing. Allele origin: germline.